The following is an entry in ClinVar:

ClinVar aggregate classification (germline): Uncertain significance. Review status: criteria provided, multiple submitters, no conflicts (2 of 4 stars). 3 submissions from 3 submitters: Uncertain significance (2). 1 of the submissions does not count toward it. Last evaluated 2022-09-26.

Conditions:
Leber congenital amaurosis 6 (LCA6). Identifiers: Orphanet 65, MedGen C1854260, MONDO:0013446, OMIM 613826.
Cone-rod dystrophy 13 (CORD13). Identifiers: Orphanet 1872, MedGen C2750720, MONDO:0011987, OMIM 608194.
Retinal dystrophy. Also called: Inherited retinal dystrophy. Identifiers: Orphanet 71862, MedGen C0854723, MeSH D058499, MONDO:0019118, HP:0000556.

Allele frequency attached by ClinVar (database versions not stated): TOPMed below 0.00001; gnomAD exomes 0.00002.
gnomAD v4.1: 35 of 1,613,584 alleles (0.0022%); highest among the groups gnomAD compares: Non-Finnish European, 0.003%; no homozygotes.

Submissions (3):

Blueprint Genetics
Classification: Uncertain significance. Last evaluated: 2022-09-26. Review status: criteria provided, single submitter. Criteria: ACMG Guidelines, 2015. Collection method: clinical testing. Allele origin: germline.

Labcorp Genetics (formerly Invitae), Labcorp
Classification: Uncertain significance for Leber congenital amaurosis 6; Cone-rod dystrophy 13. Last evaluated: 2021-08-28. Review status: criteria provided, single submitter. Criteria: Invitae Variant Classification Sherloc (09022015). Collection method: clinical testing. Allele origin: germline.
Comment: This sequence change replaces proline with serine at codon 1152 of the RPGRIP1 protein (p.Pro1152Ser). The proline residue is highly conserved and there is a moderate physicochemical difference between proline and serine. This variant is not present in population databases (ExAC no frequency). This variant has not been reported in the literature in individuals affected with RPGRIP1-related conditions. Algorithms developed to predict the effect of missense changes on protein structure and function are either unavailable or do not agree on the potential impact of this missense change (SIFT: "Deleterious"; PolyPhen-2: "Probably Damaging"; Align-GVGD: "Class C0"). In summary, the available evidence is currently insufficient to determine the role of this variant in disease. Therefore, it has been classified as a Variant of Uncertain Significance.

Institute of Human Genetics, Univ. Regensburg, Univ. Regensburg
Classification: Uncertain significance for Retinal dystrophy. Last evaluated: 2020-01-01. Review status: no assertion criteria provided. Criteria: ACMG Guidelines, 2015. Collection method: clinical testing. Allele origin: germline. Affected: yes. Not counted in ClinVar's aggregate classification.

NM_020366.4(RPGRIP1):c.3454C>T (p.Pro1152Ser)

Gene: RPGRIP1 (RPGR interacting protein 1; plus strand). Cytogenetic location: 14q11.2.
Variant type: single nucleotide variant.
Coding change: c.3454C>T on transcript NM_020366.4 (MANE Select); coding-DNA position 3454, C replaced by T.
Protein change: p.Pro1152Ser; replaces proline 1152 with serine.
Molecular consequence: missense variant.
Genome position (GRCh38, 1-based): chr14:21,343,150, C>T. VCF-style: chr14-21343150-C-T. GRCh37 (hg19) VCF-style: chr14-21811309-C-T.
Other names: c.1432C>T, p.Pro478Ser (NM_001377523.1, NM_001377950.1); c.2380C>T, p.Pro794Ser (NM_001377948.1); c.1540C>T, p.Pro514Ser (NM_001377949.1); c.937C>T, p.Pro313Ser (NM_001377951.1); short protein forms P1152S, P313S, P514S, P478S, P794S.
Identifiers: ClinVar variation 940392 (VCV000940392.9), dbSNP rs1388726376, ClinGen allele CA388857150.